The following is an entry in ClinVar:

NM_005236.3(ERCC4):c.550A>G (p.Asn184Asp)

Gene: ERCC4 (ERCC excision repair 4, endonuclease catalytic subunit; plus strand). Cytogenetic location: 16p13.12.
Variant type: single nucleotide variant.
Coding change: c.550A>G on transcript NM_005236.3 (MANE Select); coding-DNA position 550, A replaced by G.
Protein change: p.Asn184Asp; replaces asparagine 184 with aspartic acid.
Molecular consequence: missense variant.
Genome position (GRCh38, 1-based): chr16:13,926,722, A>G. VCF-style: chr16-13926722-A-G. GRCh37 (hg19) VCF-style: chr16-14020579-A-G.
Other names: short protein forms N184D.
Identifiers: ClinVar variation 2111027 (VCV002111027.4), dbSNP rs2032079848, ClinGen allele CA394801682.

ClinVar aggregate classification (germline): Uncertain significance (1 of 4 stars; one submission).

Conditions:
Xeroderma pigmentosum, group F (XPF). Also called: XERODERMA PIGMENTOSUM, COMPLEMENTATION GROUP F; XERODERMA PIGMENTOSUM, TYPE F; Xeroderma pigmentosum, type 6; ERCC4-Related Xeroderma Pigmentosum; XERODERMA PIGMENTOSUM VI; XP, GROUP F. Identifiers: MedGen C0268140, MONDO:0010215, OMIM 278760.
Cockayne syndrome. Identifiers: Orphanet 191, MedGen C0009207, MONDO:0016006.
Fanconi anemia complementation group Q. Identifiers: Orphanet 84, MedGen C3808988, MONDO:0014108, OMIM 615272.

gnomAD v4.1: 1 of 1,614,000 alleles (0.000062%); highest among the groups gnomAD compares: East Asian, 0.0022%; no homozygotes.

Submission:

Labcorp Genetics (formerly Invitae), Labcorp
Classification: Uncertain significance for Fanconi anemia complementation group Q; Xeroderma pigmentosum, group F; Cockayne syndrome. Last evaluated: 2022-10-07. Review status: criteria provided, single submitter. Criteria: Invitae Variant Classification Sherloc (09022015). Collection method: clinical testing. Allele origin: germline.
Comment: This variant is not present in population databases (gnomAD no frequency). This sequence change replaces asparagine, which is neutral and polar, with aspartic acid, which is acidic and polar, at codon 184 of the ERCC4 protein (p.Asn184Asp). This variant has not been reported in the literature in individuals affected with ERCC4-related conditions. Advanced modeling of protein sequence and biophysical properties (such as structural, functional, and spatial information, amino acid conservation, physicochemical variation, residue mobility, and thermodynamic stability) performed at Invitae indicates that this missense variant is expected to disrupt ERCC4 protein function. In summary, the available evidence is currently insufficient to determine the role of this variant in disease. Therefore, it has been classified as a Variant of Uncertain Significance.